The following is an entry in ClinVar:

ClinVar aggregate classification (germline): Benign/Likely benign. Review status: criteria provided, multiple submitters, no conflicts (2 of 4 stars). 4 submissions from 4 submitters: Benign (1); Likely benign (2). 1 of the submissions does not count toward it. Last evaluated 2026-06-01.

Conditions:
DNHD1-related disorder. Also called: DNHD1-related condition.

Allele frequency attached by ClinVar (database versions not stated): 1000 Genomes Project 0.00220; 1000 Genomes Project 30x 0.00234; gnomAD 0.00431 and 0.00456; gnomAD exomes 0.00499 and 0.00602; TOPMed 0.00499; ESP Exome Variant Server 0.00536; ExAC 0.00558.
gnomAD v4.1: 9,497 of 1,611,590 alleles (0.59%); highest among the groups gnomAD compares: Middle Eastern, 2.5%; 49 homozygotes.

Submissions (4):

CeGaT Center for Human Genetics Tuebingen
Classification: Likely benign. Last evaluated: 2026-06-01. Review status: criteria provided, single submitter. Criteria: CeGaT Center For Human Genetics Tuebingen Variant Classification Criteria Version 2. Collection method: clinical testing. Allele origin: germline. Affected: yes. Observed: 10 variant alleles.
Comment: DNHD1: BP4, BP7, BS2

Labcorp Genetics (formerly Invitae), Labcorp
Classification: Benign. Last evaluated: 2019-12-31. Review status: criteria provided, single submitter. Criteria: Invitae Variant Classification Sherloc (09022015). Collection method: clinical testing. Allele origin: germline.

Breakthrough Genomics
Classification: Likely benign. Review status: criteria provided, single submitter. Criteria: ACMG Guidelines, 2015. Collection method: not provided. Allele origin: germline. Inheritance: Autosomal recessive inheritance. Affected: yes.

PreventionGenetics, part of Exact Sciences
Classification: Benign for DNHD1-related condition. Last evaluated: 2019-06-07. Review status: no assertion criteria provided. Collection method: clinical testing. Allele origin: germline. Not counted in ClinVar's aggregate classification.
Comment: This variant is classified as benign based on ACMG/AMP sequence variant interpretation guidelines (Richards et al. 2015 PMID: 25741868, with internal and published modifications).

NM_144666.3(DNHD1):c.13068A>C (p.Thr4356=)

Gene: DNHD1 (dynein heavy chain domain 1; plus strand). Cytogenetic location: 11p15.4.
Variant type: single nucleotide variant.
Coding change: c.13068A>C on transcript NM_144666.3 (MANE Select); coding-DNA position 13068, A replaced by C.
Protein change: p.Thr4356=; no amino-acid change (threonine 4356 retained).
Molecular consequence: synonymous variant.
Genome position (GRCh38, 1-based): chr11:6,570,359, A>C. VCF-style: chr11-6570359-A-C. GRCh37 (hg19) VCF-style: chr11-6591589-A-C.
Identifiers: ClinVar variation 623760 (VCV000623760.47), dbSNP rs11603359, ClinGen allele CA5857016.